The following is an entry in ClinVar:

ClinVar aggregate classification (germline): Uncertain significance (1 of 4 stars; one submission).

Conditions:
Lowe syndrome (OCRL). Also called: Oculocerebrorenal Syndrome; LOWE OCULOCEREBRORENAL SYNDROME; PHOSPHATIDYLINOSITOL 4,5-BISPHOSPHATE 5-PHOSPHATASE DEFICIENCY. Identifiers: Orphanet 534, MedGen C0028860, MONDO:0010645, OMIM 309000.

Submission:

Labcorp Genetics (formerly Invitae), Labcorp
Classification: Uncertain significance for Lowe syndrome. Last evaluated: 2022-06-27. Review status: criteria provided, single submitter. Criteria: Invitae Variant Classification Sherloc (09022015). Collection method: clinical testing. Allele origin: germline.
Comment: In summary, the available evidence is currently insufficient to determine the role of this variant in disease. Therefore, it has been classified as a Variant of Uncertain Significance. Experimental studies and prediction algorithms are not available or were not evaluated, and the functional significance of this variant is currently unknown. This variant has not been reported in the literature in individuals affected with OCRL-related conditions. This variant results in a copy number gain of the genomic region encompassing exon(s) 4-24 of the OCRL gene. This region includes the termination codon of the gene. This copy number gain extends beyond the assayed region for this gene and therefore may encompass additional genes. As the precise location of this event is unknown, it may be in tandem or it may be located elsewhere in the genome.

NC_000023.10:g.(?_128682520)_(128724247_?)dup

Gene: OCRL (OCRL inositol polyphosphate-5-phosphatase; plus strand). Cytogenetic location: Xq25-26.1.
Variant type: Duplication.
Identifiers: ClinVar variation 1495965 (VCV001495965.5).